The following is an entry in ClinVar:

ClinVar aggregate classification (germline): Conflicting classifications of pathogenicity. Review status: criteria provided, conflicting classifications (1 of 4 stars). 11 submissions from 11 submitters: Uncertain significance (7); Likely benign (3). 1 of the submissions does not count toward it. Last evaluated 2026-08-05.

Conditions:
MYL3-related disorder. Also called: MYL3-related condition.
Cardiovascular phenotype. Identifiers: MedGen CN230736.
Cardiomyopathy (CMYO). Also called: Cardiomyopathies. Identifiers: Orphanet 167848, MedGen C0878544, MONDO:0004994, HP:0001638. Inheritance: Various modes of inheritance.
Hypertrophic cardiomyopathy 8. Also called: MYL3-Related Familial Hypertrophic Cardiomyopathy; CARDIOMYOPATHY, HYPERTROPHIC, MID-LEFT VENTRICULAR CHAMBER TYPE, 1. Identifiers: MedGen C1837471, MONDO:0012111, OMIM 608751.
Hypertrophic cardiomyopathy. Also called: HYPERTROPHIC MYOCARDIOPATHY. Identifiers: Orphanet 217569, MedGen C0007194, MeSH D002312, MONDO:0005045, HP:0001639.

Allele frequency attached by ClinVar (database versions not stated): ExAC 0.00004; gnomAD exomes 0.00005; gnomAD 0.00011 and 0.00012; TOPMed 0.00012; ESP Exome Variant Server 0.00023.
gnomAD v4.1: 59 of 1,612,966 alleles (0.0037%); highest among the groups gnomAD compares: African/African-American, 0.048%; no homozygotes.

Submissions (11):

PreventionGenetics, part of Exact Sciences
Classification: Uncertain significance for MYL3-related condition. Last evaluated: 2026-08-05. Review status: criteria provided, single submitter. Criteria: ACMG Guidelines, 2015. Collection method: clinical testing. Allele origin: germline.
Comment: The MYL3 c.4G>C variant is predicted to result in the amino acid substitution p.Ala2Pro. To our knowledge, this variant has not been reported in the literature. This variant is reported in 0.036% of alleles in individuals of African descent in gnomAD. At this time, the clinical significance of this variant is uncertain due to the absence of conclusive functional and genetic evidence.

Labcorp Genetics (formerly Invitae), Labcorp
Classification: Uncertain significance for Hypertrophic cardiomyopathy. Last evaluated: 2026-01-12. Review status: criteria provided, single submitter. Criteria: Invitae Variant Classification Sherloc (09022015). Collection method: clinical testing. Allele origin: germline.
Comment: This sequence change replaces alanine, which is neutral and non-polar, with proline, which is neutral and non-polar, at codon 2 of the MYL3 protein (p.Ala2Pro). This variant is present in population databases (rs148310342, gnomAD 0.03%). This variant has not been reported in the literature in individuals affected with MYL3-related conditions. ClinVar contains an entry for this variant (Variation ID: 164491). An algorithm developed to predict the effect of missense changes on protein structure and function (PolyPhen-2) suggests that this variant is likely to be tolerated. In summary, the available evidence is currently insufficient to determine the role of this variant in disease. Therefore, it has been classified as a Variant of Uncertain Significance.

Blueprint Genetics
Classification: Likely benign. Last evaluated: 2024-08-19. Review status: criteria provided, single submitter. Criteria: ACMG Guidelines, 2015. Collection method: clinical testing. Allele origin: germline.

GeneDx
Classification: Uncertain significance. Last evaluated: 2024-06-18. Review status: criteria provided, single submitter. Criteria: GeneDx Variant Classification Process June 2021. Collection method: clinical testing. Allele origin: germline. Affected: yes.
Comment: Has not been previously published as pathogenic or benign to our knowledge; In silico analysis supports that this missense variant has a deleterious effect on protein structure/function; This variant is associated with the following publications: (PMID: 3979397)

Mayo Clinic Laboratories, Mayo Clinic
Classification: Uncertain significance. Last evaluated: 2024-01-16. Review status: criteria provided, single submitter. Criteria: ACMG Guidelines, 2015. Collection method: clinical testing. Allele origin: germline. Observed: 1 variant allele.
Comment: BP4

Ambry Genetics
Classification: Likely benign for Cardiovascular phenotype. Last evaluated: 2021-10-12. Review status: criteria provided, single submitter. Criteria: Ambry Variant Classification Scheme 2023. Collection method: clinical testing. Allele origin: germline.

Color Diagnostics, LLC DBA Color Health
Classification: Likely benign for Cardiomyopathy. Last evaluated: 2019-11-06. Review status: criteria provided, single submitter. Criteria: ACMG Guidelines, 2015. Collection method: clinical testing. Allele origin: germline.

Fulgent Genetics
Classification: Uncertain significance for Hypertrophic cardiomyopathy 8. Last evaluated: 2018-10-31. Review status: criteria provided, single submitter. Criteria: ACMG Guidelines, 2015. Collection method: clinical testing. Allele origin: unknown.

Clinical Genetics DNA and cytogenetics Diagnostics Lab, Erasmus MC, Erasmus Medical Center
Classification: Uncertain significance for Hypertrophic cardiomyopathy 8. Last evaluated: 2017-10-10. Review status: criteria provided, single submitter. Criteria: ACGS Guidelines, 2013. Collection method: clinical testing. Allele origin: germline. Affected: yes. Study: VKGL Data-share Consensus.

Laboratory for Molecular Medicine, Mass General Brigham Personalized Medicine
Classification: Uncertain significance. Last evaluated: 2016-04-26. Review status: criteria provided, single submitter. Criteria: LMM Criteria. Collection method: clinical testing. Allele origin: germline. Observed: 1 variant allele.
Comment: proposed classification - variant undergoing re-assessment, contact laboratory

Clinical Genetics, Academic Medical Center
Classification: Uncertain significance. Review status: no assertion criteria provided. Collection method: clinical testing. Allele origin: germline. Affected: yes. Study: VKGL Data-share Consensus. Not counted in ClinVar's aggregate classification.

NM_000258.3(MYL3):c.4G>C (p.Ala2Pro)

Gene: MYL3 (myosin light chain 3; minus strand). Cytogenetic location: 3p21.31.
Variant type: single nucleotide variant.
Coding change: c.4G>C on transcript NM_000258.3 (MANE Select); coding-DNA position 4, G replaced by C.
Protein change: p.Ala2Pro; replaces alanine 2 with proline.
Molecular consequence: missense variant.
Genome position (GRCh38, 1-based): chr3:46,863,387, C>G on the plus strand (G>C on the coding strand, the complement: MYL3 is on the minus strand). VCF-style: chr3-46863387-C-G. GRCh37 (hg19) VCF-style: chr3-46904877-C-G.
Other names: short protein forms A2P.
Identifiers: ClinVar variation 164491 (VCV000164491.31), dbSNP rs148310342, ClinGen allele CA013963.